The following is an entry in ClinVar:

NM_000264.5(PTCH1):c.2590G>A (p.Glu864Lys)

Gene: PTCH1 (patched 1; minus strand). Cytogenetic location: 9q22.32.
Variant type: single nucleotide variant.
Coding change: c.2590G>A on transcript NM_000264.5 (MANE Select); coding-DNA position 2590, G replaced by A.
Protein change: p.Glu864Lys; replaces glutamic acid 864 with lysine.
Molecular consequence: missense variant. On other transcripts: non-coding transcript variant (1).
Genome position (GRCh38, 1-based): chr9:95,461,969, C>T on the plus strand (G>A on the coding strand, the complement: PTCH1 is on the minus strand). VCF-style: chr9-95461969-C-T. GRCh37 (hg19) VCF-style: chr9-98224251-C-T.
Other names: c.2137G>A, p.Glu713Lys (NM_001083605.3, NM_001083606.3, NM_001083607.3 and 1 more transcripts); c.2434G>A, p.Glu812Lys (NM_001354918.2); c.2392G>A, p.Glu798Lys (NM_001083602.3); c.2587G>A, p.Glu863Lys (NM_001083603.3); short protein forms E798K, E863K, E713K, E812K, E864K.
Identifiers: ClinVar variation 3311151 (VCV003311151.1).

ClinVar aggregate classification (germline): Uncertain significance (1 of 4 stars; one submission).

Conditions:
Hereditary cancer-predisposing syndrome. Also called: Neoplastic Syndromes, Hereditary; Tumor predisposition; Hereditary neoplastic syndrome; Hereditary Cancer Syndrome. Identifiers: Orphanet 140162, MedGen C0027672, MeSH D009386, MONDO:0015356.

Submission:

Ambry Genetics
Classification: Uncertain significance for Hereditary cancer-predisposing syndrome. Last evaluated: 2024-04-04. Review status: criteria provided, single submitter. Criteria: Ambry Variant Classification Scheme 2023. Collection method: clinical testing. Allele origin: germline.
Comment: The p.E864K variant (also known as c.2590G>A), located in coding exon 16 of the PTCH1 gene, results from a G to A substitution at nucleotide position 2590. The glutamic acid at codon 864 is replaced by lysine, an amino acid with similar properties. This amino acid position is conserved. In addition, this alteration is predicted to be tolerated by in silico analysis. Based on the available evidence, the clinical significance of this variant remains unclear.